The following is an entry in ClinVar:

NM_001999.4(FBN2):c.3484T>C (p.Cys1162Arg)

Gene: FBN2 (fibrillin 2; minus strand). Cytogenetic location: 5q23.3.
Variant type: single nucleotide variant.
Coding change: c.3484T>C on transcript NM_001999.4 (MANE Select); coding-DNA position 3484, T replaced by C.
Protein change: p.Cys1162Arg; replaces cysteine 1162 with arginine.
Molecular consequence: missense variant.
Genome position (GRCh38, 1-based): chr5:128,338,111, A>G on the plus strand (T>C on the coding strand, the complement: FBN2 is on the minus strand). VCF-style: chr5-128338111-A-G. GRCh37 (hg19) VCF-style: chr5-127673803-A-G.
Other names: short protein forms C1162R.
Identifiers: ClinVar variation 947892 (VCV000947892.11), dbSNP rs1750894751, ClinGen allele CA360759566.

ClinVar aggregate classification (germline): Conflicting classifications of pathogenicity. Review status: criteria provided, conflicting classifications (1 of 4 stars). 2 submissions from 2 submitters: Pathogenic (1); Uncertain significance (1). Last evaluated 2022-02-04.

Conditions:
Congenital contractural arachnodactyly (CCA). Also called: BEALS SYNDROME; Beals-Hecht syndrome; Arthrogryposis, distal, type 9. Identifiers: Orphanet 115, MedGen C0220668, MONDO:0007363, OMIM 121050.

Submissions (2):

Labcorp Genetics (formerly Invitae), Labcorp
Classification: Pathogenic for Congenital contractural arachnodactyly. Last evaluated: 2022-02-04. Review status: criteria provided, single submitter. Criteria: Invitae Variant Classification Sherloc (09022015). Collection method: clinical testing. Allele origin: germline.
Comment: This missense change has been observed in individual(s) with congenital contractural arachnodactyly (CCA) (PMID: 31316167; UniversalMutationDatabase10612827). In at least one individual the variant was observed to be de novo. ClinVar contains an entry for this variant (Variation ID: 947892). Advanced modeling of protein sequence and biophysical properties (such as structural, functional, and spatial information, amino acid conservation, physicochemical variation, residue mobility, and thermodynamic stability) performed at Invitae indicates that this missense variant is expected to disrupt FBN2 protein function. This variant affects a cysteine residue located within an epidermal growth factor (EGF)–like domain of the FBN2 protein. Cysteine residues in these domains are involved in the formation of disulfide bridges critical for protein structure and stability (PMID: 3495735, 4750422, 16677079). In addition, missense substitutions within the FBN2 EGF-like domains affecting cysteine residues are overrepresented in patients with congenital contractural arachnodactyly (PMID: 18767143). For these reasons, this variant has been classified as Pathogenic. This variant is not present in population databases (gnomAD no frequency). This sequence change replaces cysteine, which is neutral and slightly polar, with arginine, which is basic and polar, at codon 1162 of the FBN2 protein (p.Cys1162Arg).

Blueprint Genetics
Classification: Uncertain significance. Last evaluated: 2019-10-14. Review status: criteria provided, single submitter. Criteria: ACMG Guidelines, 2015. Collection method: clinical testing. Allele origin: germline.

Literature cited by the submitters: PubMed 31316167 (cited by Labcorp Genetics (formerly Invitae), Labcorp); PubMed 10612827 (cited by Labcorp Genetics (formerly Invitae), Labcorp); PubMed 3495735 (cited by Labcorp Genetics (formerly Invitae), Labcorp); PubMed 4750422 (cited by Labcorp Genetics (formerly Invitae), Labcorp); PubMed 16677079 (cited by Labcorp Genetics (formerly Invitae), Labcorp); PubMed 18767143 (cited by Labcorp Genetics (formerly Invitae), Labcorp).